The following is an entry in ClinVar:

ClinVar aggregate classification (germline): Uncertain significance (1 of 4 stars; one submission).

Allele frequency attached by ClinVar (database versions not stated): gnomAD exomes 0.00002; ExAC 0.00003; gnomAD 0.00004 and 0.00005; ESP Exome Variant Server 0.00015.
gnomAD v4.1: 33 of 1,613,932 alleles (0.002%); highest among the groups gnomAD compares: African/African-American, 0.0093%; no homozygotes.

Submission:

Labcorp Genetics (formerly Invitae), Labcorp
Classification: Uncertain significance. Last evaluated: 2025-09-06. Review status: criteria provided, single submitter. Criteria: Invitae Variant Classification Sherloc (09022015). Collection method: clinical testing. Allele origin: germline.
Comment: This sequence change replaces glycine, which is neutral and non-polar, with serine, which is neutral and polar, at codon 364 of the ADIPOR1 protein (p.Gly364Ser). This variant is present in population databases (rs139371614, gnomAD 0.02%). This variant has not been reported in the literature in individuals affected with ADIPOR1-related conditions. ClinVar contains an entry for this variant (Variation ID: 1509495). An algorithm developed to predict the effect of missense changes on protein structure and function (PolyPhen-2) suggests that this variant is likely to be tolerated. In summary, the available evidence is currently insufficient to determine the role of this variant in disease. Therefore, it has been classified as a Variant of Uncertain Significance.

NM_015999.6(ADIPOR1):c.1090G>A (p.Gly364Ser)

Gene: ADIPOR1 (adiponectin receptor 1; minus strand). Cytogenetic location: 1q32.1.
Variant type: single nucleotide variant.
Coding change: c.1090G>A on transcript NM_015999.6 (MANE Select); coding-DNA position 1090, G replaced by A.
Protein change: p.Gly364Ser; replaces glycine 364 with serine.
Molecular consequence: missense variant.
Genome position (GRCh38, 1-based): chr1:202,941,611, C>T on the plus strand (G>A on the coding strand, the complement: ADIPOR1 is on the minus strand). VCF-style: chr1-202941611-C-T. GRCh37 (hg19) VCF-style: chr1-202910739-C-T.
Other names: c.1090G>A, p.Gly364Ser (NM_001290553.2, NM_001290557.1, NM_001290629.1); short protein forms G364S.
Identifiers: ClinVar variation 1509495 (VCV001509495.6), dbSNP rs139371614, ClinGen allele CA1335830.
Genomic context (GRCh38, chr1:202,941,611, plus strand): 5'-TCCACCCCGCAGGTGGGAAGGCTCAGAGAAGGGTGTCATCAGTACAGCCGCCTTCTAGGC[C>T]GTAACGGAATTCCTGAAGGTTGGAGACTCCATAGAAGTGGACAAAGGCTGCTGCCACCAC-3'
Protein context (NP_057083.2, residues 354-374): GVSNLQEFRY[Gly364Ser]LEGGCTDDTL